The following is an entry in ClinVar:

NM_015338.6(ASXL1):c.1790T>A (p.Ile597Asn)

Gene: ASXL1 (ASXL transcriptional regulator 1; plus strand). Cytogenetic location: 20q11.21.
Variant type: single nucleotide variant.
Coding change: c.1790T>A on transcript NM_015338.6 (MANE Select); coding-DNA position 1790, T replaced by A.
Protein change: p.Ile597Asn; replaces isoleucine 597 with asparagine.
Molecular consequence: missense variant.
Genome position (GRCh38, 1-based): chr20:32,434,502, T>A. VCF-style: chr20-32434502-T-A. GRCh37 (hg19) VCF-style: chr20-31022305-T-A.
Other names: c.1607T>A, p.Ile536Asn (NM_001363734.1); short protein forms I536N, I597N.
Identifiers: ClinVar variation 4843639 (VCV004843639.1).
Genomic context (GRCh38, chr20:32,434,502, plus strand): 5'-CACGTATCAAACCACCCTGGGTGGTTAAAGGTCAGCCCACTTACCAGATATGCCCCCGGA[T>A]CATCCCCACCACGGAGTCCTCCTGCCGGGGTTGGACTGGCGCCAGGACCCTCGCAGACAT-3'
Protein context (NP_056153.2, residues 587-607): GQPTYQICPR[Ile597Asn]IPTTESSCRG

ClinVar aggregate classification (germline): Uncertain significance (1 of 4 stars; one submission).

Conditions:
Inborn genetic diseases. Identifiers: MedGen C0950123, MeSH D030342.

Submission:

Ambry Genetics
Classification: Uncertain significance for Inborn genetic diseases. Last evaluated: 2025-12-20. Review status: criteria provided, single submitter. Criteria: Ambry Variant Classification Scheme 2023. Collection method: clinical testing. Allele origin: germline.
Comment: The p.I597N variant (also known as c.1790T>A), located in coding exon 13 of the ASXL1 gene, results from a T to A substitution at nucleotide position 1790. The isoleucine at codon 597 is replaced by asparagine, an amino acid with dissimilar properties. This amino acid position is conserved. In addition, the in silico prediction for this alteration is inconclusive. Based on the available evidence, the clinical significance of this variant remains unclear.